The following is an entry in ClinVar:

NM_032892.5(FRMD5):c.694C>G (p.Leu232Val)

Gene: FRMD5 (FERM domain containing 5; minus strand). Cytogenetic location: 15q15.3.
Variant type: single nucleotide variant.
Coding change: c.694C>G on transcript NM_032892.5 (MANE Select); coding-DNA position 694, C replaced by G.
Protein change: p.Leu232Val; replaces leucine 232 with valine.
Molecular consequence: missense variant. On other transcripts: non-coding transcript variant (1), intron variant (1).
Genome position (GRCh38, 1-based): chr15:43,892,015, G>C on the plus strand (C>G on the coding strand, the complement: FRMD5 is on the minus strand). VCF-style: chr15-43892015-G-C. GRCh37 (hg19) VCF-style: chr15-44184213-G-C.
Other names: c.694C>G, p.Leu232Val (NM_001031729.1, NM_001322949.2, NM_001322950.2 and 1 more transcripts); c.427C>G, p.Leu143Val (NM_001286490.2); c.589C>G, p.Leu197Val (NM_001322951.2); c.27-3143C>G (NM_001286491.2); short protein forms L143V, L197V, L232V.
Identifiers: ClinVar variation 3024538 (VCV003024538.2), dbSNP rs2508448618, ClinGen allele CA392194356.

ClinVar aggregate classification (germline): Uncertain significance (1 of 4 stars; one submission).

Conditions:
Neurodevelopmental disorder with eye movement abnormalities and ataxia. Identifiers: MedGen C5774241, MONDO:0859305, OMIM 620094.

Allele frequency attached by ClinVar (database versions not stated): gnomAD exomes below 0.00001.
gnomAD v4.1: 1 of 1,614,128 alleles (0.000062%); highest among the groups gnomAD compares: Non-Finnish European, 0.000085%; no homozygotes.

Submission:

Institute of Human Genetics, University of Leipzig Medical Center
Classification: Uncertain significance for Neurodevelopmental disorder with eye movement abnormalities and ataxia. Last evaluated: 2024-02-14. Review status: criteria provided, single submitter. Criteria: ACMG Guidelines, 2015. Collection method: clinical testing. Allele origin: unknown. Inheritance: Autosomal dominant inheritance. Affected: yes.
Comment: Criteria applied: PM2_SUP,PP3